The following is an entry in ClinVar:

ClinVar aggregate classification (germline): Conflicting classifications of pathogenicity. Review status: criteria provided, conflicting classifications (1 of 4 stars). 4 submissions from 4 submitters: Likely pathogenic (3); Uncertain significance (1). Last evaluated 2025-03-28.

Conditions:
Multiple acyl-CoA dehydrogenase deficiency (MADD). Also called: Glutaric aciduria, type 2; Glutaric Acidemia type 2; Glutaric acidemia type II; GA 2; ETHYLMALONIC-ADIPICACIDURIA; GA II. Identifiers: Orphanet 26791, MedGen C0268596, MONDO:0009282, OMIM 231680.

Allele frequency attached by ClinVar (database versions not stated): gnomAD exomes below 0.00001 and 0.00001; ExAC 0.00002; TOPMed 0.00002; gnomAD 0.00003 and 0.00004.
gnomAD v4.1: 6 of 1,491,472 alleles (0.0004%); highest among the groups gnomAD compares: African/African-American, 0.0083%; no homozygotes.

Submissions (4):

3billion
Classification: Likely pathogenic for Multiple acyl-CoA dehydrogenase deficiency. Last evaluated: 2025-03-28. Review status: criteria provided, single submitter. Criteria: ACMG Guidelines, 2015. Collection method: clinical testing. Allele origin: germline. Affected: yes.

GeneDx
Classification: Uncertain significance. Last evaluated: 2023-10-27. Review status: criteria provided, single submitter. Criteria: GeneDx Variant Classification Process June 2021. Collection method: clinical testing. Allele origin: germline. Affected: yes.
Comment: Canonical splice site variant predicted to result in a null allele in a gene for which loss of function is a known mechanism of disease; Has not been previously published as pathogenic or benign to our knowledge

Baylor Genetics
Classification: Likely pathogenic for Multiple acyl-CoA dehydrogenase deficiency. Last evaluated: 2023-05-21. Review status: criteria provided, single submitter. Criteria: ACMG Guidelines, 2015. Collection method: clinical testing. Allele origin: unknown.

Labcorp Genetics (formerly Invitae), Labcorp
Classification: Likely pathogenic for Multiple acyl-CoA dehydrogenase deficiency. Last evaluated: 2020-09-29. Review status: criteria provided, single submitter. Criteria: Invitae Variant Classification Sherloc (09022015). Collection method: clinical testing. Allele origin: germline.
Comment: In summary, the currently available evidence indicates that the variant is pathogenic, but additional data are needed to prove that conclusively. Therefore, this variant has been classified as Likely Pathogenic. Donor and acceptor splice site variants typically lead to a loss of protein function (PMID: 16199547), and loss-of-function variants in ETFDH are known to be pathogenic (PMID: 16510302, 23785301). Algorithms developed to predict the effect of sequence changes on RNA splicing suggest that this variant may disrupt the consensus splice site, but this prediction has not been confirmed by published transcriptional studies. This variant has not been reported in the literature in individuals with ETFDH-related conditions. This variant is present in population databases (rs750189181, ExAC 0.03%). This sequence change affects an acceptor splice site in intron 3 of the ETFDH gene. It is expected to disrupt RNA splicing and likely results in an absent or disrupted protein product.

Literature cited by the submitters: PubMed 16199547 (cited by Labcorp Genetics (formerly Invitae), Labcorp); PubMed 16510302 (cited by Labcorp Genetics (formerly Invitae), Labcorp); PubMed 23785301 (cited by Labcorp Genetics (formerly Invitae), Labcorp).

NM_004453.4(ETFDH):c.406-1G>A

Gene: ETFDH (electron transfer flavoprotein dehydrogenase; plus strand). Cytogenetic location: 4q32.1.
Variant type: single nucleotide variant.
Coding change: c.406-1G>A on transcript NM_004453.4 (MANE Select); the canonical splice acceptor site of the intron before coding-DNA position 406, G replaced by A.
Molecular consequence: splice acceptor variant.
Genome position (GRCh38, 1-based): chr4:158,684,591, G>A. VCF-style: chr4-158684591-G-A. GRCh37 (hg19) VCF-style: chr4-159605743-G-A.
Other names: c.265-1G>A (NM_001281737.2); c.223-1G>A (NM_001281738.1).
Identifiers: ClinVar variation 1066848 (VCV001066848.10), dbSNP rs750189181, ClinGen allele CA3122351.